The following is an entry in ClinVar:

ClinVar aggregate classification (germline): Uncertain significance (1 of 4 stars; one submission).

Conditions:
Hereditary cancer-predisposing syndrome. Also called: Neoplastic Syndromes, Hereditary; Tumor predisposition; Hereditary Cancer Syndrome; Hereditary neoplastic syndrome. Identifiers: Orphanet 140162, MedGen C0027672, MeSH D009386, MONDO:0015356.

Submission:

Ambry Genetics
Classification: Uncertain significance for Hereditary cancer-predisposing syndrome. Last evaluated: 2026-05-31. Review status: criteria provided, single submitter. Criteria: Ambry Variant Classification Scheme 2023. Collection method: clinical testing. Allele origin: germline.
Comment: The p.K47T variant (also known as c.140A>C), located in coding exon 1 of the CDKN1B gene, results from an A to C substitution at nucleotide position 140. The lysine at codon 47 is replaced by threonine, an amino acid with similar properties. This amino acid position is conserved. In addition, this alteration is predicted to be tolerated by in silico analysis. Based on the available evidence, the clinical significance of this variant remains unclear.

NM_004064.5(CDKN1B):c.140A>C (p.Lys47Thr)

Gene: CDKN1B (cyclin dependent kinase inhibitor 1B; plus strand). Cytogenetic location: 12p13.1.
Variant type: single nucleotide variant.
Coding change: c.140A>C on transcript NM_004064.5 (MANE Select); coding-DNA position 140, A replaced by C.
Protein change: p.Lys47Thr; replaces lysine 47 with threonine.
Molecular consequence: missense variant.
Genome position (GRCh38, 1-based): chr12:12,717,979, A>C. VCF-style: chr12-12717979-A-C. GRCh37 (hg19) VCF-style: chr12-12870913-A-C.
Other names: short protein forms K47T.
Identifiers: ClinVar variation 4868637 (VCV004868637.1).
Genomic context (GRCh38, chr12:12,717,979, plus strand): 5'-CGGCCTGCAGGAACCTCTTCGGCCCGGTGGACCACGAAGAGTTAACCCGGGACTTGGAGA[A>C]GCACTGCAGAGACATGGAAGAGGCGAGCCAGCGCAAGTGGAATTTCGATTTTCAGAATCA-3'
Protein context (NP_004055.1, residues 37-57): DHEELTRDLE[Lys47Thr]HCRDMEEASQ